The following is an entry in ClinVar:

ClinVar aggregate classification (germline): Uncertain significance (1 of 4 stars; one submission).

Conditions:
Neuroblastoma, susceptibility to, 3. Also called: ALK-Related Neuroblastic Tumor Susceptibility. Identifiers: Orphanet 635, MedGen C2751681, MONDO:0013083, OMIM 613014.

Submission:

Labcorp Genetics (formerly Invitae), Labcorp
Classification: Uncertain significance for Neuroblastoma, susceptibility to, 3. Last evaluated: 2023-06-14. Review status: criteria provided, single submitter. Criteria: Invitae Variant Classification Sherloc (09022015). Collection method: clinical testing. Allele origin: unknown.
Comment: In summary, the available evidence is currently insufficient to determine the role of this variant in disease. Therefore, it has been classified as a Variant of Uncertain Significance. Experimental studies and prediction algorithms are not available or were not evaluated, and the functional significance of this variant is currently unknown. This variant has not been reported in the literature in individuals affected with ALK-related conditions. This variant is a gross deletion of the genomic region encompassing exon(s) 6 of the ALK gene. This variant would be expected to be in-frame, preserving the integrity of the reading frame.

NC_000002.11:g.(?_29551206)_(29551357_?)del

Gene: ALK (ALK receptor tyrosine kinase; minus strand). Cytogenetic location: 2p23.2.
Variant type: Deletion.
Identifiers: ClinVar variation 3247353 (VCV003247353.1).